The following is an entry in ClinVar:

ClinVar aggregate classification (germline): Uncertain significance (1 of 4 stars; one submission).

Conditions:
Mucopolysaccharidosis type 6 (MPS6). Also called: N-ACETYLGALACTOSAMINE-4-SULFATASE DEFICIENCY; MPS VI; MPS 6; Maroteaux Lamy syndrome; ARSB DEFICIENCY; ARYLSULFATASE B DEFICIENCY. Identifiers: Orphanet 583, MedGen C0026709, MONDO:0009661, OMIM 253200.

Submission:

Laboratory of Diagnosis and Therapy of Lysosomal Disorders, University of Padova
Classification: Uncertain significance for Mucopolysaccharidosis type 6. Last evaluated: 2018-01-01. Review status: criteria provided, single submitter. Criteria: ACMG Guidelines, 2015. Collection method: curation. Allele origin: germline. Affected: yes.
Comment: Absent from GnomAD (PM2)

Literature cited by the submitters: PubMed 10036316; PubMed 30118150.

NM_000046.5(ARSB):c.1592C>G (p.Pro531Arg)

Gene: ARSB (arylsulfatase B; minus strand). Cytogenetic location: 5q14.1.
Variant type: single nucleotide variant.
Coding change: c.1592C>G on transcript NM_000046.5 (MANE Select); coding-DNA position 1592, C replaced by G.
Protein change: p.Pro531Arg; replaces proline 531 with arginine.
Molecular consequence: missense variant.
Genome position (GRCh38, 1-based): chr5:78,780,407, G>C on the plus strand (C>G on the coding strand, the complement: ARSB is on the minus strand). VCF-style: chr5-78780407-G-C. GRCh37 (hg19) VCF-style: chr5-78076230-G-C.
Other names: short protein forms P531R.
Identifiers: ClinVar variation 559727 (VCV000559727.1), dbSNP rs1554069659, ClinGen allele CA360338780.